The following is an entry in ClinVar:

NM_001363700.2(LIAS):c.299+1682_299+1690del

Gene: LIAS (lipoic acid synthetase; plus strand). Cytogenetic location: 4p14.
Variant type: Deletion.
Coding change: c.299+1682_299+1690del on transcript NM_001363700.2; bases 1682 to 1690 of the intron after coding-DNA position 299, 9 bases deleted (ATGCCTGAT; older notation c.299+1682_299+1690delATGCCTGAT).
Molecular consequence: intron variant.
Genome position (GRCh38, 1-based): chr4:39,465,287-39,465,295, ATGCCTGAT deleted; deleting any 9 consecutive bases within chr4:39,465,284-39,465,295 gives the same sequence; the c. name uses the placement nearest the transcript's 3' end. VCF-style (leftmost placement, unchanged base first): chr4-39465283-AGATATGCCT-A. GRCh37 (hg19) VCF-style: chr4-39466903-AGATATGCCT-A.
Identifiers: ClinVar variation 540087 (VCV000540087.48), dbSNP rs776064587, ClinGen allele CA2894707.
Genomic context (GRCh38, chr4:39,465,283, plus strand): 5'-TCTACCAGAAACTGGCTCTAAATGATGACATCATCCTGAGCAGTGGATTCTTTTGTTTCT[AGATATGCCT>A]GATGGGGGAGCTGAACACATTGCAAAGACCGTATCATATTTAAAGGAAAGGTACTTATTT-3'

ClinVar aggregate classification (germline): Uncertain significance (1 of 4 stars; one submission).

Conditions:
Lipoic acid synthetase deficiency. Also called: HYPERGLYCINEMIA, LACTIC ACIDOSIS, AND SEIZURES. Identifiers: Orphanet 401859, MedGen C3280887, MONDO:0013762, OMIM 614462.

Submission:

Labcorp Genetics (formerly Invitae), Labcorp
Classification: Uncertain significance for Lipoic acid synthetase deficiency. Last evaluated: 2017-11-23. Review status: criteria provided, single submitter. Criteria: Invitae Variant Classification Sherloc (09022015). Collection method: clinical testing. Allele origin: germline.
Comment: This variant, c.553_561del, results in the deletion of 3 amino acid(s) of the LIAS protein (p.Met185_Asp187del), but otherwise preserves the integrity of the reading frame. The frequency data for this variant in the population databases is considered unreliable, as metrics indicate poor data quality at this position in the ExAC database. This variant has not been reported in the literature in individuals with LIAS-related disease. Experimental studies and prediction algorithms are not available for this variant, and the functional significance of the duplicated amino acids is currently unknown. In summary, the available evidence is currently insufficient to determine the role of this variant in disease. Therefore, it has been classified as a Variant of Uncertain Significance.